The following is an entry in ClinVar:

NM_001384479.1(AGT):c.372C>G (p.Val124=)

Gene: AGT (angiotensinogen; minus strand). Cytogenetic location: 1q42.2.
Variant type: single nucleotide variant.
Coding change: c.372C>G on transcript NM_001384479.1 (MANE Select); coding-DNA position 372, C replaced by G.
Protein change: p.Val124=; no amino-acid change (valine 124 retained).
Molecular consequence: synonymous variant.
Genome position (GRCh38, 1-based): chr1:230,710,452, G>C on the plus strand (C>G on the coding strand, the complement: AGT is on the minus strand). VCF-style: chr1-230710452-G-C. GRCh37 (hg19) VCF-style: chr1-230846198-G-C.
Other names: c.372C>G, p.Val124= (NM_001382817.3).
Identifiers: ClinVar variation 4538248 (VCV004538248.1).

ClinVar aggregate classification (germline): Uncertain significance (1 of 4 stars; one submission).

Submission:

Greenwood Genetic Center Diagnostic Laboratories, Greenwood Genetic Center
Classification: Uncertain significance. Last evaluated: 2025-05-20. Review status: criteria provided, single submitter. Criteria: ACMG Guidelines, 2015. Collection method: clinical testing. Allele origin: germline. Affected: yes.
Comment: PM2, BP4